The following is an entry in ClinVar:

ClinVar aggregate classification (germline): Conflicting classifications of pathogenicity. Review status: criteria provided, conflicting classifications (1 of 4 stars). 4 submissions from 4 submitters: Uncertain significance (3); Benign (1). Last evaluated 2025-08-01.

Conditions:
Hereditary nonpolyposis colorectal neoplasms. Identifiers: MedGen C0009405, MeSH D003123.
Hereditary cancer-predisposing syndrome. Also called: Hereditary Cancer Syndrome; Neoplastic Syndromes, Hereditary; Hereditary neoplastic syndrome; Tumor predisposition. Identifiers: Orphanet 140162, MedGen C0027672, MeSH D009386, MONDO:0015356.
Lynch syndrome. Identifiers: Orphanet 144, MedGen C4552100, MONDO:0005835. Disease mechanism: loss of function.

Allele frequency attached by ClinVar (database versions not stated): 1000 Genomes Project 30x 0.00016.
gnomAD v4.1: 5 of 1,613,676 alleles (0.00031%); highest among the groups gnomAD compares: Admixed American, 0.0083%; no homozygotes.

Submissions (4):

Labcorp Genetics (formerly Invitae), Labcorp
Classification: Benign for Hereditary nonpolyposis colorectal neoplasms. Last evaluated: 2025-08-01. Review status: criteria provided, single submitter. Criteria: Invitae Variant Classification Sherloc (09022015). Collection method: clinical testing. Allele origin: germline.

All of Us Research Program, National Institutes of Health
Classification: Uncertain significance for Lynch syndrome. Last evaluated: 2024-01-08. Review status: criteria provided, single submitter. Criteria: ACMG Guidelines, 2015. Collection method: clinical testing. Allele origin: germline. Inheritance: Autosomal dominant inheritance. Observed: 2 variant alleles, 2 heterozygotes.
Comment: This missense variant replaces aspartic acid with glutamic acid at codon 390 of the MSH6 protein. Computational prediction suggests that this variant may not impact protein structure and function (internally defined REVEL score threshold <= 0.5, PMID: 27666373). To our knowledge, functional studies have not been reported for this variant. This variant has not been reported in individuals affected with MSH6-related disorders in the literature. This variant has been identified in 5/251040 chromosomes in the general population by the Genome Aggregation Database (gnomAD). The available evidence is insufficient to determine the role of this variant in disease conclusively. Therefore, this variant is classified as a Variant of Uncertain Significance.

This study involves interpretation of variants in research participants for the purpose of population health screening. Participant phenotype was not available at the time of variant classification. Additional details can be found in publication PMID: 35346344, PMCID: PMC8962531

Women's Health and Genetics/Laboratory Corporation of America, LabCorp
Classification: Uncertain significance. Last evaluated: 2021-12-12. Review status: criteria provided, single submitter. Criteria: LabCorp Variant Classification Summary - May 2015. Collection method: clinical testing. Allele origin: germline.

Ambry Genetics
Classification: Uncertain significance for Hereditary cancer-predisposing syndrome. Last evaluated: 2016-05-20. Review status: criteria provided, single submitter. Criteria: Ambry Variant Classification Scheme 2023. Collection method: clinical testing. Allele origin: germline.
Comment: The p.D390E variant (also known as c.1170T>A), located in coding exon 4 of the MSH6 gene, results from a T to A substitution at nucleotide position 1170. The aspartic acid at codon 390 is replaced by glutamic acid, an amino acid with highly similar properties. This variant was not reported in population based cohorts in the following databases: Database of Single Nucleotide Polymorphisms (dbSNP), NHLBI Exome Sequencing Project (ESP), and 1000 Genomes Project. In the ESP, this variant was not observed in 6503 samples (13006 alleles) with coverage at this position. To date, this alteration has been detected with an allele frequency of approximately 0.001% (greater than 150000 alleles tested) in our clinical cohort. This amino acid position is well conserved in available vertebrate species. This alteration is predicted to be benign and tolerated by PolyPhen and SIFT in silico analyses, respectively. In addition, the CoDP in silico tool predicts this alteration to have minor impact on molecular function, with a score of 0.006 (Terui H et al. J. Biomed. Sci. 2013;20:25). Since supporting evidence is limited at this time, the clinical significance of p.D390E remains unclear.

NM_000179.3(MSH6):c.1170T>A (p.Asp390Glu)

Gene: MSH6 (mutS homolog 6; plus strand). Cytogenetic location: 2p16.3.
Variant type: single nucleotide variant.
Coding change: c.1170T>A on transcript NM_000179.3 (MANE Select); coding-DNA position 1170, T replaced by A.
Protein change: p.Asp390Glu; replaces aspartic acid 390 with glutamic acid.
Molecular consequence: missense variant.
Genome position (GRCh38, 1-based): chr2:47,799,153, T>A. VCF-style: chr2-47799153-T-A. GRCh37 (hg19) VCF-style: chr2-48026292-T-A.
Other names: c.780T>A, p.Asp260Glu (NM_001281492.2); c.264T>A, p.Asp88Glu (NM_001281493.2, NM_001281494.2); short protein forms D390E, D260E, D88E.
Identifiers: ClinVar variation 428396 (VCV000428396.12), dbSNP rs55882234, ClinGen allele CA067253.
Genomic context (GRCh38, chr2:47,799,153, plus strand): 5'-AGAATGGCTTAAGGAGGAAAAGAGAAGAGATGAGCACAGGAGGAGGCCTGATCACCCCGA[T>A]TTTGATGCATCTACACTCTATGTGCCTGAGGATTTCCTCAATTCTTGTACTCCTGGGATG-3'
Protein context (NP_000170.1, residues 380-400): DEHRRRPDHP[Asp390Glu]FDASTLYVPE